The following is an entry in ClinVar:

ClinVar aggregate classification (germline): Pathogenic/Likely pathogenic. Review status: criteria provided, multiple submitters, no conflicts (2 of 4 stars). 5 submissions from 5 submitters: Pathogenic (2); Likely pathogenic (3). Last evaluated 2026-03-16.

Conditions:
MPI-congenital disorder of glycosylation. Also called: MANNOSEPHOSPHATE ISOMERASE DEFICIENCY; PROTEIN-LOSING ENTEROPATHY-HEPATIC FIBROSIS SYNDROME; MPI DEFICIENCY; CONGENITAL DISORDER OF GLYCOSYLATION, TYPE Ib; CDG Ib; MPI-CDG. Identifiers: Orphanet 79319, MedGen C1865145, MONDO:0011257, OMIM 602579.

Allele frequency attached by ClinVar (database versions not stated): ExAC 0.00001; gnomAD 0.00001; TOPMed 0.00001.
gnomAD v4.1: 26 of 1,614,010 alleles (0.0016%); highest among the groups gnomAD compares: East Asian, 0.0022%; no homozygotes.

Submissions (5):

Women's Health and Genetics/Laboratory Corporation of America, LabCorp
Classification: Pathogenic for MPI-congenital disorder of glycosylation. Last evaluated: 2026-03-16. Review status: criteria provided, single submitter. Criteria: LabCorp Variant Classification Summary - May 2015. Collection method: clinical testing. Allele origin: germline.
Comment: Variant summary: MPI c.166C>T (p.Arg56X) results in a premature termination codon, predicted to cause a truncation of the encoded protein or absence of the protein due to nonsense mediated decay, which are commonly known mechanisms for disease. The variant allele was found at a frequency of 1.2e-05 in 251482 control chromosomes. To our knowledge, no occurrence of c.166C>T in individuals affected with MPI-related conditions and no experimental evidence demonstrating its impact on protein function have been reported. ClinVar contains an entry for this variant (Variation ID: 851479). Based on the evidence outlined above, the variant was classified as pathogenic.

Natera, Inc.
Classification: Likely pathogenic for Congenital disorder of glycosylation type 1b. Last evaluated: 2025-10-15. Review status: criteria provided, single submitter. Criteria: Natera Variant Classification Schema (03/2026). Collection method: clinical testing. Allele origin: germline.
Comment: The c.166C>T variant in MPI is a nonsense variant predicted to introduce a stop codon at amino acid 56. This variant is expected to result in nonsense mediated decay, truncation, or a dysfunctional protein product. This variant is rare in the general population with a frequency below the threshold expected for the associated phenotype(s). Given the available evidence, this variant is classified as Likely Pathogenic.

Fulgent Genetics
Classification: Likely pathogenic for MPI-congenital disorder of glycosylation. Last evaluated: 2024-05-17. Review status: criteria provided, single submitter. Criteria: ACMG Guidelines, 2015. Collection method: clinical testing. Allele origin: germline.

Labcorp Genetics (formerly Invitae), Labcorp
Classification: Pathogenic for MPI-congenital disorder of glycosylation. Last evaluated: 2023-12-05. Review status: criteria provided, single submitter. Criteria: Invitae Variant Classification Sherloc (09022015). Collection method: clinical testing. Allele origin: germline.
Comment: This sequence change creates a premature translational stop signal (p.Arg56*) in the MPI gene. It is expected to result in an absent or disrupted protein product. Loss-of-function variants in MPI are known to be pathogenic (PMID: 19862844). This variant is present in population databases (rs757168691, gnomAD 0.002%). This variant has not been reported in the literature in individuals affected with MPI-related conditions. ClinVar contains an entry for this variant (Variation ID: 851479). For these reasons, this variant has been classified as Pathogenic.

Juno Genomics, Hangzhou Juno Genomics, Inc
Classification: Likely pathogenic for MPI-congenital disorder of glycosylation. Review status: criteria provided, single submitter. Criteria: ACMG Guidelines, 2015. Collection method: clinical testing. Allele origin: germline.
Comment: Absent from controls (or at extremely low frequency if recessive) in Genome Aggregation Database.;Null variant in a gene where loss of function (LOF) is a known mechanism of disease.

Literature cited by the submitters: PubMed 19862844 (cited by Labcorp Genetics (formerly Invitae), Labcorp).

NM_002435.3(MPI):c.166C>T (p.Arg56Ter)

Gene: MPI (mannose phosphate isomerase; plus strand). Cytogenetic location: 15q24.1.
Variant type: single nucleotide variant.
Coding change: c.166C>T on transcript NM_002435.3 (MANE Select); coding-DNA position 166, C replaced by T.
Protein change: p.Arg56Ter; replaces arginine 56 with a stop codon.
Molecular consequence: nonsense.
Genome position (GRCh38, 1-based): chr15:74,891,400, C>T. VCF-style: chr15-74891400-C-T. GRCh37 (hg19) VCF-style: chr15-75183741-C-T.
Other names: c.166C>T, p.Arg56Ter (NM_001289155.2, NM_001289157.2); c.16C>T, p.Arg6Ter (NM_001289156.2); c.106C>T, p.Arg36Ter (NM_001330372.2); short protein forms R36*, R6*, R56*.
Identifiers: ClinVar variation 851479 (VCV000851479.15), dbSNP rs757168691, ClinGen allele CA7662384.